The following is an entry in ClinVar:

ClinVar aggregate classification (germline): Uncertain significance (1 of 4 stars; one submission).

Conditions:
Inborn genetic diseases. Identifiers: MedGen C0950123, MeSH D030342.

Submission:

Ambry Genetics
Classification: Uncertain significance for Inborn genetic diseases. Last evaluated: 2025-10-20. Review status: criteria provided, single submitter. Criteria: Ambry Variant Classification Scheme 2023. Collection method: clinical testing. Allele origin: germline.
Comment: The c.461_463delAAG variant (also known as p.E154del) is located in coding exon 4 of the ETV6 gene. This variant results from an in-frame AAG deletion at nucleotide positions 461 to 463. This results in the in-frame deletion of a glutamic acid at codon 154. This amino acid position is highly conserved in available vertebrate species. In addition, the in silico prediction for this variant is inconclusive (Choi Y et al. PLoS ONE. 2012; 7(10):e46688). Based on the available evidence, the clinical significance of this variant remains unclear.

NM_001987.5(ETV6):c.458_460AAG[1] (p.Glu154del)

Gene: ETV6 (ETS variant transcription factor 6; plus strand). Cytogenetic location: 12p13.2.
Variant type: Microsatellite.
Coding change: c.458_460AAG[1] on transcript NM_001987.5 (MANE Select).
Protein change: p.Glu154del; deletes glutamic acid 154.
Molecular consequence: inframe deletion. On other transcripts: inframe indel (2).
Genome position: GRCh38 VCF-style: chr12-11853554-TGAA-T. GRCh37 (hg19) VCF-style: chr12-12006488-TGAA-T.
Other names: c.461_463delAAG (NM_001987.4); c.455_457AAG[1], p.Glu153del (NM_001413913.1); c.431_433AAG[1], p.Glu145del (NM_001413914.1); c.194_196AAG[1], p.Glu66del (NM_001413915.1); c.458_460AAG[1], p.Glu154del (NM_001413916.1, NM_001413917.1, NM_001987.4); short protein forms E145del, E153del, E154del, E66del.
Identifiers: ClinVar variation 4618849 (VCV004618849.1).